The following is an entry in ClinVar:

NM_001374259.2(IL12RB2):c.1874C>T (p.Ala625Val)

Gene: IL12RB2 (interleukin 12 receptor subunit beta 2; plus strand). Cytogenetic location: 1p31.3.
Variant type: single nucleotide variant.
Coding change: c.1874C>T on transcript NM_001374259.2 (MANE Select); coding-DNA position 1874, C replaced by T.
Protein change: p.Ala625Val; replaces alanine 625 with valine.
Molecular consequence: missense variant. On other transcripts: non-coding transcript variant (1), intron variant (1).
Genome position (GRCh38, 1-based): chr1:67,386,597, C>T. VCF-style: chr1-67386597-C-T. GRCh37 (hg19) VCF-style: chr1-67852280-C-T.
Other names: c.1874C>T, p.Ala625Val (NM_001258214.1, NM_001319233.1, NM_001559.3); c.1616C>T, p.Ala539Val (NM_001258215.1); c.1855+6474C>T (NM_001258216.1); short protein forms A539V, A625V.
Identifiers: ClinVar variation 773813 (VCV000773813.13), dbSNP rs2307154, ClinGen allele CA900598.
Genomic context (GRCh38, chr1:67,386,597, plus strand): 5'-TGGTGATAACTCACTCAGTCACAGGATTTCCTAACTTTTCAGGTAAAGCCAATTGGATGG[C>T]GTTTGTGGCACCAAGCATTTGCATTGCTATCATCATGGTGGGCATTTTCTCAACGCATTA-3'
Protein context (NP_001361188.1, residues 615-635): FCLQGKANWM[Ala625Val]FVAPSICIAI

ClinVar aggregate classification (germline): Benign. Review status: criteria provided, multiple submitters, no conflicts (2 of 4 stars). 3 submissions from 3 submitters: Benign (2). 1 of the submissions does not count toward it. Last evaluated 2026-01-28.

Conditions:
IL12RB2-related disorder. Also called: IL12RB2-related condition.

Allele frequency attached by ClinVar (database versions not stated): gnomAD exomes 0.00039 and 0.00105; ExAC 0.00134; gnomAD 0.00402 and 0.00420; ESP Exome Variant Server 0.00415; TOPMed 0.00460; 1000 Genomes Project 0.00539; 1000 Genomes Project 30x 0.00578.
gnomAD v4.1: 1,204 of 1,612,582 alleles (0.075%); highest among the groups gnomAD compares: African/African-American, 1.4%; 16 homozygotes.

Submissions (4):

Labcorp Genetics (formerly Invitae), Labcorp
Classification: Benign. Last evaluated: 2026-01-28. Review status: criteria provided, single submitter. Criteria: Invitae Variant Classification Sherloc (09022015). Collection method: clinical testing. Allele origin: germline.

Breakthrough Genomics
Classification: Benign. Review status: criteria provided, single submitter. Criteria: ACMG Guidelines, 2015. Collection method: not provided. Allele origin: germline. Inheritance: Unknown mechanism. Affected: yes.

PreventionGenetics, part of Exact Sciences
Classification: Benign for IL12RB2-related condition. Last evaluated: 2019-04-10. Review status: no assertion criteria provided. Collection method: clinical testing. Allele origin: germline. Not counted in ClinVar's aggregate classification.
Comment: This variant is classified as benign based on ACMG/AMP sequence variant interpretation guidelines (Richards et al. 2015 PMID: 25741868, with internal and published modifications).

Dr. Peter K. Rogan Lab, Western University
No classification provided (evidence only). Condition: Clear cell carcinoma of kidney. Review status: no classification provided. Collection method: in vitro. Allele origin: not applicable. Functional consequence: retained intron. Not counted in ClinVar's aggregate classification.